The following is an entry in ClinVar:

NM_170606.3(KMT2C):c.28G>A (p.Glu10Lys)

Gene: KMT2C (lysine methyltransferase 2C; minus strand). Cytogenetic location: 7q36.1.
Variant type: single nucleotide variant.
Coding change: c.28G>A on transcript NM_170606.3 (MANE Select); coding-DNA position 28, G replaced by A.
Protein change: p.Glu10Lys; replaces glutamic acid 10 with lysine.
Molecular consequence: missense variant.
Genome position (GRCh38, 1-based): chr7:152,435,759, C>T on the plus strand (G>A on the coding strand, the complement: KMT2C is on the minus strand). VCF-style: chr7-152435759-C-T. GRCh37 (hg19) VCF-style: chr7-152132844-C-T.
Other names: short protein forms E10K.
Identifiers: ClinVar variation 2503155 (VCV002503155.1), dbSNP rs1590054120, ClinGen allele CA370104647.

ClinVar aggregate classification (germline): Uncertain significance (1 of 4 stars; one submission).

Allele frequency attached by ClinVar (database versions not stated): gnomAD 0.00001.

Submission:

GeneDx
Classification: Uncertain significance. Last evaluated: 2022-11-29. Review status: criteria provided, single submitter. Criteria: GeneDx Variant Classification Process June 2021. Collection method: clinical testing. Allele origin: germline. Affected: yes.
Comment: Not observed at significant frequency in large population cohorts (gnomAD); In silico analysis supports that this missense variant does not alter protein structure/function; Has not been previously published as pathogenic or benign to our knowledge